The following is an entry in ClinVar:

NM_000051.4(ATM):c.6573-4dup

Genes: C11orf65 (chromosome 11 open reading frame 65; minus strand), ATM (ATM serine/threonine kinase; plus strand). Cytogenetic location: 11q22.3.
Variant type: Duplication.
Coding change: c.6573-4dup on transcript NM_000051.4 (MANE Select); 4 bases into the intron before coding-DNA position 6573, one base duplicated (T; older notation c.6573-4dupT).
Molecular consequence: intron variant.
Genome position (GRCh38, 1-based): chr11:108,325,306, T duplicated; the last of 2 consecutive T bases (chr11:108,325,305-108,325,306); duplicating either gives the same sequence. VCF-style (leftmost placement, unchanged base first): chr11-108325304-A-AT. GRCh37 (hg19) VCF-style: chr11-108196031-A-AT.
Other names: c.6573-4dup (NM_001351834.2); c.641-16234dup (NM_001330368.2); c.*38+9915dup (NM_001351110.2).
Identifiers: ClinVar variation 3254278 (VCV003254278.1), dbSNP rs2547199232.

ClinVar aggregate classification (germline): Likely benign (1 of 4 stars; one submission).

Conditions:
Familial cancer of breast. Also called: hereditary breast carcinoma; BREAST CANCER, FAMILIAL; Hereditary breast cancer. Identifiers: Orphanet 227535, MedGen C0346153, MONDO:0016419, OMIM 114480. Disease mechanism: loss of function.

Submission:

Myriad Genetics, Inc.
Classification: Likely benign for Familial cancer of breast. Last evaluated: 2024-06-07. Review status: criteria provided, single submitter. Criteria: Myriad Autosomal Dominant, Autosomal Recessive and X-Linked Classification Criteria (2023). Collection method: clinical testing. Allele origin: unknown.
Comment: This variant is considered likely benign. This variant is intronic and is not expected to impact mRNA splicing.